The following is an entry in ClinVar:

ClinVar aggregate classification (germline): Uncertain significance (1 of 4 stars; one submission).

Allele frequency attached by ClinVar (database versions not stated): gnomAD exomes 0.00001.
gnomAD v4.1: 20 of 1,613,890 alleles (0.0012%); highest among the groups gnomAD compares: Non-Finnish European, 0.0017%; no homozygotes.

Submission:

Labcorp Genetics (formerly Invitae), Labcorp
Classification: Uncertain significance. Last evaluated: 2025-01-06. Review status: criteria provided, single submitter. Criteria: Invitae Variant Classification Sherloc (09022015). Collection method: clinical testing. Allele origin: germline.
Comment: This sequence change replaces aspartic acid, which is acidic and polar, with valine, which is neutral and non-polar, at codon 303 of the MMP2 protein (p.Asp303Val). This variant is not present in population databases (gnomAD no frequency). This variant has not been reported in the literature in individuals affected with MMP2-related conditions. ClinVar contains an entry for this variant (Variation ID: 1897732). Invitae Evidence Modeling of protein sequence and biophysical properties (such as structural, functional, and spatial information, amino acid conservation, physicochemical variation, residue mobility, and thermodynamic stability) indicates that this missense variant is not expected to disrupt MMP2 protein function with a negative predictive value of 80%. In summary, the available evidence is currently insufficient to determine the role of this variant in disease. Therefore, it has been classified as a Variant of Uncertain Significance.

NM_004530.6(MMP2):c.908A>T (p.Asp303Val)

Gene: MMP2 (matrix metallopeptidase 2; plus strand). Cytogenetic location: 16q12.2.
Variant type: single nucleotide variant.
Coding change: c.908A>T on transcript NM_004530.6 (MANE Select); coding-DNA position 908, A replaced by T.
Protein change: p.Asp303Val; replaces aspartic acid 303 with valine.
Molecular consequence: missense variant.
Genome position (GRCh38, 1-based): chr16:55,488,618, A>T. VCF-style: chr16-55488618-A-T. GRCh37 (hg19) VCF-style: chr16-55522530-A-T.
Other names: c.758A>T, p.Asp253Val (NM_001127891.3); c.680A>T, p.Asp227Val (NM_001302508.1, NM_001302509.2, NM_001302510.2); short protein forms D227V, D303V, D253V.
Identifiers: ClinVar variation 1897732 (VCV001897732.4), dbSNP rs1567376093, ClinGen allele CA395935484.